The following is an entry in ClinVar:

NM_000038.6(APC):c.4680A>G (p.Glu1560=)

Gene: APC (APC regulator of Wnt signaling pathway; plus strand). Cytogenetic location: 5q22.2.
Variant type: single nucleotide variant.
Coding change: c.4680A>G on transcript NM_000038.6 (MANE Select); coding-DNA position 4680, A replaced by G.
Protein change: p.Glu1560=; no amino-acid change (glutamic acid 1560 retained).
Molecular consequence: synonymous variant.
Genome position (GRCh38, 1-based): chr5:112,840,274, A>G. VCF-style: chr5-112840274-A-G. GRCh37 (hg19) VCF-style: chr5-112175971-A-G.
Other names: c.4680A>G, p.Glu1560= (NM_001127510.3, NM_001354895.2); c.4626A>G, p.Glu1542= (NM_001127511.3); c.4734A>G, p.Glu1578= (NM_001354896.2); c.4710A>G, p.Glu1570= (NM_001354897.2); c.4605A>G, p.Glu1535= (NM_001354898.2); c.4596A>G, p.Glu1532= (NM_001354899.2); c.4557A>G, p.Glu1519= (NM_001354900.2); c.4503A>G, p.Glu1501= (NM_001354901.2); and 5 more.
Identifiers: ClinVar variation 1027589 (VCV001027589.13), dbSNP rs1765740199, ClinGen allele CA446206670.

ClinVar aggregate classification (germline): Benign/Likely benign. Review status: criteria provided, multiple submitters, no conflicts (2 of 4 stars). 5 submissions from 5 submitters: Benign (1); Likely benign (4). Last evaluated 2025-11-10.

Conditions:
Hereditary cancer-predisposing syndrome. Also called: Neoplastic Syndromes, Hereditary; Tumor predisposition; Hereditary Cancer Syndrome; Hereditary neoplastic syndrome. Identifiers: Orphanet 140162, MedGen C0027672, MeSH D009386, MONDO:0015356.
Familial adenomatous polyposis 1 (FAP1). Also called: FAMILIAL ADENOMATOUS POLYPOSIS 1, ATTENUATED; POLYPOSIS, ADENOMATOUS INTESTINAL. Identifiers: MedGen C2713442, MONDO:0021056, OMIM 175100. Disease mechanism: loss of function.

Allele frequency attached by ClinVar (database versions not stated): gnomAD exomes 0.00001.
gnomAD v4.1: 3 of 1,614,190 alleles (0.00019%); highest among the groups gnomAD compares: East Asian, 0.0067%; no homozygotes.

Submissions (5):

Ambry Genetics
Classification: Likely benign for Hereditary cancer-predisposing syndrome. Last evaluated: 2025-11-10. Review status: criteria provided, single submitter. Criteria: Ambry Variant Classification Scheme 2023. Collection method: clinical testing. Allele origin: germline.

Color Diagnostics, LLC DBA Color Health
Classification: Likely benign for Hereditary cancer-predisposing syndrome. Last evaluated: 2024-08-26. Review status: criteria provided, single submitter. Criteria: ACMG Guidelines, 2015. Collection method: clinical testing. Allele origin: germline.

Myriad Genetics, Inc.
Classification: Benign for Familial adenomatous polyposis 1. Last evaluated: 2024-03-27. Review status: criteria provided, single submitter. Criteria: Myriad Autosomal Dominant, Autosomal Recessive and X-Linked Classification Criteria (2023). Collection method: clinical testing. Allele origin: unknown.
Comment: This variant is considered benign. This variant is a silent/synonymous amino acid change and it is not expected to impact splicing.

Labcorp Genetics (formerly Invitae), Labcorp
Classification: Likely benign for Familial adenomatous polyposis 1. Last evaluated: 2023-07-25. Review status: criteria provided, single submitter. Criteria: Invitae Variant Classification Sherloc (09022015). Collection method: clinical testing. Allele origin: germline.

Women's Health and Genetics/Laboratory Corporation of America, LabCorp
Classification: Likely benign. Last evaluated: 2021-03-12. Review status: criteria provided, single submitter. Criteria: LabCorp Variant Classification Summary - May 2015. Collection method: clinical testing. Allele origin: germline.